The following is an entry in ClinVar:

NM_001282531.3(ADNP):c.1825C>A (p.Pro609Thr)

Gene: ADNP (activity dependent neuroprotector homeobox; minus strand). Cytogenetic location: 20q13.13.
Variant type: single nucleotide variant.
Coding change: c.1825C>A on transcript NM_001282531.3 (MANE Select); coding-DNA position 1825, C replaced by A.
Protein change: p.Pro609Thr; replaces proline 609 with threonine.
Molecular consequence: missense variant.
Genome position (GRCh38, 1-based): chr20:50,892,889, G>T on the plus strand (C>A on the coding strand, the complement: ADNP is on the minus strand). VCF-style: chr20-50892889-G-T. GRCh37 (hg19) VCF-style: chr20-49509426-G-T.
Other names: c.1825C>A, p.Pro609Thr (NM_001282532.2, NM_001347511.2, NM_015339.5 and 1 more transcripts); c.2041C>A, p.Pro681Thr (NM_001439000.1); c.1141C>A, p.Pro381Thr (NM_001439001.1); short protein forms P381T, P609T, P681T.
Identifiers: ClinVar variation 4720310 (VCV004720310.1).
Genomic context (GRCh38, chr20:50,892,889, plus strand): 5'-AAAAGCAAAGAGGACAAAGGGTTTTCCCAACATCTTTTTTATAGGGCACTGCAGCTTGAG[G>T]TGAACTTTTTACAGGGATATCTGCCTTTTCCTGAACCTTTGGCTGTGGCTTTGGAGGAAC-3'
Protein context (NP_001269460.1, residues 599-619): EKADIPVKSS[Pro609Thr]QAAVPYKKDV

ClinVar aggregate classification (germline): Uncertain significance (1 of 4 stars; one submission).

Submission:

Labcorp Genetics (formerly Invitae), Labcorp
Classification: Uncertain significance. Last evaluated: 2025-05-27. Review status: criteria provided, single submitter. Criteria: Invitae Variant Classification Sherloc (09022015). Collection method: clinical testing. Allele origin: germline.
Comment: This sequence change replaces proline, which is neutral and non-polar, with threonine, which is neutral and polar, at codon 609 of the ADNP protein (p.Pro609Thr). This variant is not present in population databases (gnomAD no frequency). This variant has not been reported in the literature in individuals affected with ADNP-related conditions. An algorithm developed to predict the effect of missense changes on protein structure and function (PolyPhen-2) suggests that this variant is likely to be tolerated. In summary, the available evidence is currently insufficient to determine the role of this variant in disease. Therefore, it has been classified as a Variant of Uncertain Significance.